The following is an entry in ClinVar:

NM_001371986.1(UNC80):c.299-10T>G

Gene: UNC80 (unc-80 subunit of NALCN channel complex; plus strand). Cytogenetic location: 2q34.
Variant type: single nucleotide variant.
Coding change: c.299-10T>G on transcript NM_001371986.1 (MANE Select); 10 bases into the intron before coding-DNA position 299, T replaced by G.
Molecular consequence: intron variant.
Genome position (GRCh38, 1-based): chr2:209,777,248, T>G. VCF-style: chr2-209777248-T-G. GRCh37 (hg19) VCF-style: chr2-210641972-T-G.
Other names: c.299-10T>G (NM_032504.2, NM_182587.4).
Identifiers: ClinVar variation 2074386 (VCV002074386.4), dbSNP rs371399930, ClinGen allele CA2580065490.

ClinVar aggregate classification (germline): Uncertain significance (1 of 4 stars; one submission).

gnomAD v4.1: 2 of 1,569,620 alleles (0.00013%); highest among the groups gnomAD compares: Non-Finnish European, 0.00017%; no homozygotes.

Submission:

Labcorp Genetics (formerly Invitae), Labcorp
Classification: Uncertain significance. Last evaluated: 2022-01-04. Review status: criteria provided, single submitter. Criteria: Invitae Variant Classification Sherloc (09022015). Collection method: clinical testing. Allele origin: germline.
Comment: This sequence change falls in intron 3 of the UNC80 gene. It does not directly change the encoded amino acid sequence of the UNC80 protein. This variant is not present in population databases (gnomAD no frequency). This variant has not been reported in the literature in individuals affected with UNC80-related conditions. Algorithms developed to predict the effect of sequence changes on RNA splicing suggest that this variant may disrupt the consensus splice site. In summary, the available evidence is currently insufficient to determine the role of this variant in disease. Therefore, it has been classified as a Variant of Uncertain Significance.